The following is an entry in ClinVar:

NM_015346.4(ZFYVE26):c.2698C>T (p.Arg900Trp)

Gene: ZFYVE26 (zinc finger FYVE-type containing 26; minus strand). Cytogenetic location: 14q24.1.
Variant type: single nucleotide variant.
Coding change: c.2698C>T on transcript NM_015346.4 (MANE Select); coding-DNA position 2698, C replaced by T.
Protein change: p.Arg900Trp; replaces arginine 900 with tryptophan.
Molecular consequence: missense variant.
Genome position (GRCh38, 1-based): chr14:67,790,629, G>A on the plus strand (C>T on the coding strand, the complement: ZFYVE26 is on the minus strand). VCF-style: chr14-67790629-G-A. GRCh37 (hg19) VCF-style: chr14-68257346-G-A.
Other names: c.2698C>T (NM_015346.3); short protein forms R900W.
Identifiers: ClinVar variation 1407169 (VCV001407169.7), dbSNP rs756918932, ClinGen allele CA7240200.

ClinVar aggregate classification (germline): Uncertain significance. Review status: criteria provided, multiple submitters, no conflicts (2 of 4 stars). 2 submissions from 2 submitters: Uncertain significance (2). Last evaluated 2025-01-10.

Conditions:
Inborn genetic diseases. Identifiers: MedGen C0950123, MeSH D030342.
Spastic paraplegia. Identifiers: MedGen C0037772, HP:0001258.

Allele frequency attached by ClinVar (database versions not stated): gnomAD exomes below 0.00001 and 0.00001; ExAC 0.00001; gnomAD 0.00001.
gnomAD v4.1: 6 of 1,614,020 alleles (0.00037%); highest among the groups gnomAD compares: African/African-American, 0.004%; no homozygotes.

Submissions (2):

Ambry Genetics
Classification: Uncertain significance for Inborn genetic diseases. Last evaluated: 2025-01-10. Review status: criteria provided, single submitter. Criteria: Ambry Variant Classification Scheme 2023. Collection method: clinical testing. Allele origin: germline.

Labcorp Genetics (formerly Invitae), Labcorp
Classification: Uncertain significance for Spastic paraplegia. Last evaluated: 2022-09-12. Review status: criteria provided, single submitter. Criteria: Invitae Variant Classification Sherloc (09022015). Collection method: clinical testing. Allele origin: germline.
Comment: This sequence change replaces arginine, which is basic and polar, with tryptophan, which is neutral and slightly polar, at codon 900 of the ZFYVE26 protein (p.Arg900Trp). This variant is present in population databases (rs756918932, gnomAD 0.006%). This variant has not been reported in the literature in individuals affected with ZFYVE26-related conditions. ClinVar contains an entry for this variant (Variation ID: 1407169). Algorithms developed to predict the effect of missense changes on protein structure and function are either unavailable or do not agree on the potential impact of this missense change (SIFT: "Deleterious"; PolyPhen-2: "Benign"; Align-GVGD: "Class C25"). In summary, the available evidence is currently insufficient to determine the role of this variant in disease. Therefore, it has been classified as a Variant of Uncertain Significance.